The following is an entry in ClinVar:

ClinVar aggregate classification (germline): Benign/Likely benign. Review status: criteria provided, multiple submitters, no conflicts (2 of 4 stars). 4 submissions from 4 submitters: Benign (1); Likely benign (3). Last evaluated 2025-10-23.

Conditions:
Inflammatory bowel disease 28. Also called: Inflammatory bowel disease 28, early onset, autosomal recessive. Identifiers: Orphanet 238569, MedGen C2751053, MONDO:0013153, OMIM 613148.
IL10RA-related disorder. Also called: IL10RA-related condition.

Allele frequency attached by ClinVar (database versions not stated): gnomAD exomes 0.00007 and 0.00022; ExAC 0.00031; gnomAD 0.00089 and 0.00092; 1000 Genomes Project 30x 0.00094; 1000 Genomes Project 0.00100; TOPMed 0.00107; ESP Exome Variant Server 0.00108.
gnomAD v4.1: 234 of 1,612,242 alleles (0.015%); highest among the groups gnomAD compares: African/African-American, 0.31%; no homozygotes.

Submissions (4):

Labcorp Genetics (formerly Invitae), Labcorp
Classification: Benign for Inflammatory bowel disease 28. Last evaluated: 2025-10-23. Review status: criteria provided, single submitter. Criteria: Invitae Variant Classification Sherloc (09022015). Collection method: clinical testing. Allele origin: germline.

PreventionGenetics, part of Exact Sciences
Classification: Likely benign for IL10RA-related condition. Last evaluated: 2025-07-18. Review status: criteria provided, single submitter. Criteria: ACMG Guidelines, 2015. Collection method: clinical testing. Allele origin: germline.
Comment: This variant is classified as likely benign based on ACMG/AMP sequence variant interpretation guidelines (Richards et al. 2015 PMID: 25741868, with internal and published modifications).

Blueprint Genetics
Classification: Likely benign. Last evaluated: 2024-06-05. Review status: criteria provided, single submitter. Criteria: ACMG Guidelines, 2015. Collection method: clinical testing. Allele origin: germline.

Illumina Laboratory Services, Illumina
Classification: Likely benign for Inflammatory bowel disease 28. Last evaluated: 2018-01-13. Review status: criteria provided, single submitter. Criteria: ICSL Variant Classification Criteria 13 December 2019. Collection method: clinical testing. Allele origin: germline.
Comment: This variant was observed in the ICSL laboratory as part of a predisposition screen in an ostensibly healthy population. It had not been previously curated by ICSL or reported in the Human Gene Mutation Database (HGMD: prior to June 1st, 2018), and was therefore a candidate for classification through an automated scoring system. Utilizing variant allele frequency, disease prevalence and penetrance estimates, and inheritance mode, an automated score was calculated to assess if this variant is too frequent to cause the disease. Based on the score and internal cut-off values, a variant classified as likely benign is not then subjected to further curation. The score for this variant resulted in a classification of likely benign for this disease.

NM_001558.4(IL10RA):c.810+10G>A

Gene: IL10RA (interleukin 10 receptor subunit alpha; plus strand). Cytogenetic location: 11q23.3.
Variant type: single nucleotide variant.
Coding change: c.810+10G>A on transcript NM_001558.4 (MANE Select); 10 bases into the intron after coding-DNA position 810, G replaced by A.
Molecular consequence: intron variant.
Genome position (GRCh38, 1-based): chr11:117,995,720, G>A. VCF-style: chr11-117995720-G-A. GRCh37 (hg19) VCF-style: chr11-117866435-G-A.
Identifiers: ClinVar variation 302552 (VCV000302552.17), dbSNP rs12290349, ClinGen allele CA6299051.